The following is an entry in ClinVar:

NM_003632.3(CNTNAP1):c.1417C>G (p.Pro473Ala)

Gene: CNTNAP1 (contactin associated protein 1; plus strand). Cytogenetic location: 17q21.2.
Variant type: single nucleotide variant.
Coding change: c.1417C>G on transcript NM_003632.3 (MANE Select); coding-DNA position 1417, C replaced by G.
Protein change: p.Pro473Ala; replaces proline 473 with alanine.
Molecular consequence: missense variant.
Genome position (GRCh38, 1-based): chr17:42,688,572, C>G. VCF-style: chr17-42688572-C-G. GRCh37 (hg19) VCF-style: chr17-40840590-C-G.
Other names: short protein forms P473A.
Identifiers: ClinVar variation 1435648 (VCV001435648.9), dbSNP rs146616808, ClinGen allele CA8581778.

ClinVar aggregate classification (germline): Uncertain significance. Review status: criteria provided, multiple submitters, no conflicts (2 of 4 stars). 2 submissions from 2 submitters: Uncertain significance (2). Last evaluated 2026-01-19.

Allele frequency attached by ClinVar (database versions not stated): ESP Exome Variant Server 0.00015.
gnomAD v4.1: 12 of 1,614,006 alleles (0.00074%); highest among the groups gnomAD compares: Non-Finnish European, 0.001%; no homozygotes.

Submissions (2):

Women's Health and Genetics/Laboratory Corporation of America, LabCorp
Classification: Uncertain significance. Last evaluated: 2026-01-19. Review status: criteria provided, single submitter. Criteria: LabCorp Variant Classification Summary - May 2015. Collection method: clinical testing. Allele origin: germline.
Comment: Variant summary: CNTNAP1 c.1417C>G (p.Pro473Ala) results in a non-conservative amino acid change in the encoded protein sequence. Algorithms developed to predict the effect of missense changes on protein structure and function are either unavailable or do not agree on the potential impact of this missense change. The variant allele was found at a frequency of 2e-05 in 251478 control chromosomes. The available data on variant occurrences in the general population are insufficient to allow any conclusion about variant significance. To our knowledge, no occurrence of c.1417C>G in individuals affected with CNTNAP1-related conditions and no experimental evidence demonstrating its impact on protein function have been reported. ClinVar contains an entry for this variant (Variation ID: 1435648). Based on the evidence outlined above, the variant was classified as uncertain significance.

Labcorp Genetics (formerly Invitae), Labcorp
Classification: Uncertain significance. Last evaluated: 2022-04-24. Review status: criteria provided, single submitter. Criteria: Invitae Variant Classification Sherloc (09022015). Collection method: clinical testing. Allele origin: germline.
Comment: This sequence change replaces proline, which is neutral and non-polar, with alanine, which is neutral and non-polar, at codon 473 of the CNTNAP1 protein (p.Pro473Ala). This variant is present in population databases (rs146616808, gnomAD 0.004%). This variant has not been reported in the literature in individuals affected with CNTNAP1-related conditions. Algorithms developed to predict the effect of missense changes on protein structure and function (SIFT, PolyPhen-2, Align-GVGD) all suggest that this variant is likely to be tolerated. In summary, the available evidence is currently insufficient to determine the role of this variant in disease. Therefore, it has been classified as a Variant of Uncertain Significance.